The following is an entry in ClinVar:

ClinVar aggregate classification (germline): Benign/Likely benign. Review status: criteria provided, multiple submitters, no conflicts (2 of 4 stars). 4 submissions from 4 submitters: Benign (1); Likely benign (3). Last evaluated 2024-10-21.

Conditions:
Familial cancer of breast. Also called: Hereditary breast cancer; BREAST CANCER, FAMILIAL; hereditary breast carcinoma. Identifiers: Orphanet 227535, MedGen C0346153, MONDO:0016419, OMIM 114480. Disease mechanism: loss of function.
Hereditary cancer-predisposing syndrome. Also called: Tumor predisposition; Neoplastic Syndromes, Hereditary; Hereditary Cancer Syndrome; Hereditary neoplastic syndrome. Identifiers: Orphanet 140162, MedGen C0027672, MeSH D009386, MONDO:0015356.

Allele frequency attached by ClinVar (database versions not stated): gnomAD exomes below 0.00001; TOPMed below 0.00001; gnomAD 0.00001.
gnomAD v4.1: 2 of 1,613,774 alleles (0.00012%); highest among the groups gnomAD compares: Non-Finnish European, 0.00017%; no homozygotes.

Submissions (4):

Labcorp Genetics (formerly Invitae), Labcorp
Classification: Likely benign for Familial cancer of breast. Last evaluated: 2024-10-21. Review status: criteria provided, single submitter. Criteria: Invitae Variant Classification Sherloc (09022015). Collection method: clinical testing. Allele origin: germline.

Myriad Genetics, Inc.
Classification: Benign for Familial cancer of breast. Last evaluated: 2024-10-03. Review status: criteria provided, single submitter. Criteria: Myriad Autosomal Dominant, Autosomal Recessive and X-Linked Classification Criteria (2023). Collection method: clinical testing. Allele origin: unknown.
Comment: This variant is considered benign. This variant is a silent/synonymous amino acid change and it is not expected to impact splicing.

Color Diagnostics, LLC DBA Color Health
Classification: Likely benign for Hereditary cancer-predisposing syndrome. Last evaluated: 2019-07-23. Review status: criteria provided, single submitter. Criteria: ACMG Guidelines, 2015. Collection method: clinical testing. Allele origin: germline.

Ambry Genetics
Classification: Likely benign for Hereditary cancer-predisposing syndrome. Last evaluated: 2015-10-23. Review status: criteria provided, single submitter. Criteria: Ambry Variant Classification Scheme 2023. Collection method: clinical testing. Allele origin: germline.

NM_007194.4(CHEK2):c.708G>C (p.Leu236=)

Gene: CHEK2 (checkpoint kinase 2; minus strand). Cytogenetic location: 22q12.1.
Variant type: single nucleotide variant.
Coding change: c.708G>C on transcript NM_007194.4 (MANE Select); coding-DNA position 708, G replaced by C.
Protein change: p.Leu236=; no amino-acid change (leucine 236 retained).
Molecular consequence: synonymous variant.
Genome position (GRCh38, 1-based): chr22:28,711,993, C>G on the plus strand (G>C on the coding strand, the complement: CHEK2 is on the minus strand). VCF-style: chr22-28711993-C-G. GRCh37 (hg19) VCF-style: chr22-29107981-C-G.
Other names: c.837G>C, p.Leu279= (NM_001005735.3); c.507G>C, p.Leu169= (NM_001349956.3); c.708G>C, p.Leu236= (NM_145862.3); c.45G>C, p.Leu15= (NM_001257387.3).
Identifiers: ClinVar variation 760198 (VCV000760198.18), dbSNP rs1359839685, ClinGen allele CA513945200.